The following is an entry in ClinVar:

NM_001267550.2(TTN):c.46878del (p.Ala15627fs)

Genes: TTN (titin; minus strand), TTN-AS1 (TTN antisense RNA 1; plus strand). Cytogenetic location: 2q31.2.
Variant type: Deletion.
Coding change: c.46878del on transcript NM_001267550.2 (MANE Select); coding-DNA position 46878, one base deleted (A; older notation c.46878delA).
Protein change: p.Ala15627fs; shifts the reading frame from alanine 15627.
Molecular consequence: frameshift variant.
Genome position (GRCh38, 1-based): chr2:178,618,672, T deleted on the plus strand (A on the coding strand, the reverse complement: TTN is on the minus strand); the first of 2 consecutive T bases (chr2:178,618,672-178,618,673); deleting either gives the same sequence. VCF-style (leftmost placement, unchanged base first): chr2-178618671-CT-C. GRCh37 (hg19) VCF-style: chr2-179483398-CT-C.
Other names: c.41955del, p.Ala13986fs (NM_001256850.1); c.19683del, p.Ala6562fs (NM_003319.4); c.39174del, p.Ala13059fs (NM_133378.4); c.20058del, p.Ala6687fs (NM_133432.3); c.20259del, p.Ala6754fs (NM_133437.4); c.41955delA (NM_001256850.1); c.46878del (NM_001267550.1); short protein forms A13986fs, A13059fs, A6562fs, A6754fs, A15627fs, A6687fs.
Identifiers: ClinVar variation 817108 (VCV000817108.2), dbSNP rs1576520630, ClinGen allele CA915942242.

ClinVar aggregate classification (germline): Likely pathogenic (1 of 4 stars; one submission).

Submission:

GeneDx
Classification: Likely pathogenic. Last evaluated: 2025-04-18. Review status: criteria provided, single submitter. Criteria: GeneDx Variant Classification Process June 2021. Collection method: clinical testing. Allele origin: germline. Affected: yes.
Comment: Frameshift variant predicted to result in protein truncation or nonsense mediated decay in a gene for which loss of function is a known mechanism of disease; Not observed at significant frequency in large population cohorts (gnomAD); Has not been previously published as pathogenic or benign to our knowledge; Located in a specific region of the I-band within TTN for which truncating variants are significantly associated with autosomal dominant cardiomyopathy and also with autosomal recessive skeletal myopathies (PMID: 27625338, 27869827, 32778822); This variant is associated with the following publications: (PMID: 27625338, 27869827, 32778822)